The following is an entry in ClinVar:

ClinVar aggregate classification (germline): Uncertain significance (1 of 4 stars; one submission).

Conditions:
Melanoma, cutaneous malignant, susceptibility to, 5. Also called: Cutaneous malignant melanoma 5. Identifiers: Orphanet 618, MedGen C2751295, MONDO:0013133, OMIM 613099.

Submission:

Labcorp Genetics (formerly Invitae), Labcorp
Classification: Uncertain significance for Melanoma, cutaneous malignant, susceptibility to, 5. Last evaluated: 2022-03-02. Review status: criteria provided, single submitter. Criteria: Invitae Variant Classification Sherloc (09022015). Collection method: clinical testing. Allele origin: germline.
Comment: In summary, the available evidence is currently insufficient to determine the role of this variant in disease. Therefore, it has been classified as a Variant of Uncertain Significance. Algorithms developed to predict the effect of missense changes on protein structure and function (SIFT, PolyPhen-2, Align-GVGD) all suggest that this variant is likely to be disruptive. This variant has not been reported in the literature in individuals affected with MC1R-related conditions. This variant is not present in population databases (gnomAD no frequency). This sequence change replaces asparagine, which is neutral and polar, with tyrosine, which is neutral and polar, at codon 290 of the MC1R protein (p.Asn290Tyr).

NM_002386.4(MC1R):c.868A>T (p.Asn290Tyr)

Gene: MC1R (melanocortin 1 receptor; plus strand). Cytogenetic location: 16q24.3.
Variant type: single nucleotide variant.
Coding change: c.868A>T on transcript NM_002386.4 (MANE Select); coding-DNA position 868, A replaced by T.
Protein change: p.Asn290Tyr; replaces asparagine 290 with tyrosine.
Molecular consequence: missense variant.
Genome position (GRCh38, 1-based): chr16:89,920,126, A>T. VCF-style: chr16-89920126-A-T. GRCh37 (hg19) VCF-style: chr16-89986534-A-T.
Other names: short protein forms N290Y.
Identifiers: ClinVar variation 2185935 (VCV002185935.4), dbSNP rs2544610616, ClinGen allele CA397463608.